The following is an entry in ClinVar:

NM_001101426.4(CRPPA):c.*3254C>G

Gene: CRPPA (CDP-L-ribitol pyrophosphorylase A; minus strand). Cytogenetic location: 7p21.2.
Variant type: single nucleotide variant.
Coding change: c.*3254C>G on transcript NM_001101426.4 (MANE Select); 3254 bases downstream of the stop codon, C replaced by G.
Molecular consequence: 3 prime UTR variant. On other transcripts: non-coding transcript variant (1).
Genome position (GRCh38, 1-based): chr7:16,088,441, G>C on the plus strand (C>G on the coding strand, the complement: CRPPA is on the minus strand). VCF-style: chr7-16088441-G-C. GRCh37 (hg19) VCF-style: chr7-16128066-G-C.
Other names: c.*3254C>G (NM_001101417.4, NM_001368197.1).
Identifiers: ClinVar variation 359497 (VCV000359497.5), dbSNP rs185506130, ClinGen allele CA10625634.

ClinVar aggregate classification (germline): Likely benign (1 of 4 stars; one submission).

Conditions:
Congenital Muscular Dystrophy, alpha-dystroglycan related.

Allele frequency attached by ClinVar (database versions not stated): TOPMed 0.00392; 1000 Genomes Project 0.00499; 1000 Genomes Project 30x 0.00531.

Submission:

Illumina Laboratory Services, Illumina
Classification: Likely benign for Congenital Muscular Dystrophy, alpha-dystroglycan related. Last evaluated: 2018-01-13. Review status: criteria provided, single submitter. Criteria: ICSL Variant Classification Criteria 13 December 2019. Collection method: clinical testing. Allele origin: germline.
Comment: This variant was observed in the ICSL laboratory as part of a predisposition screen in an ostensibly healthy population. It had not been previously curated by ICSL or reported in the Human Gene Mutation Database (HGMD: prior to June 1st, 2018), and was therefore a candidate for classification through an automated scoring system. Utilizing variant allele frequency, disease prevalence and penetrance estimates, and inheritance mode, an automated score was calculated to assess if this variant is too frequent to cause the disease. Based on the score and internal cut-off values, a variant classified as likely benign is not then subjected to further curation. The score for this variant resulted in a classification of likely benign for this disease.